The following is an entry in ClinVar:

NM_000492.4(CFTR):c.2989-2A>T

Genes: CFTR (CF transmembrane conductance regulator; plus strand), CFTR-AS2 (CFTR antisense RNA 2; minus strand), LOC111674472 (DNase I hypersensitive sites in introns 16 and 17a of CFTR; plus strand). Cytogenetic location: 7q31.2.
Variant type: single nucleotide variant.
Coding change: c.2989-2A>T on transcript NM_000492.4 (MANE Select); the canonical splice acceptor site of the intron before coding-DNA position 2989, A replaced by T.
Molecular consequence: splice acceptor variant.
Genome position (GRCh38, 1-based): chr7:117,610,517, A>T. VCF-style: chr7-117610517-A-T. GRCh37 (hg19) VCF-style: chr7-117250571-A-T.
Identifiers: ClinVar variation 35858 (VCV000035858.5), dbSNP rs193922515, ClinGen allele CA325704.
Genomic context (GRCh38, chr7:117,610,517, plus strand): 5'-ACTTTGTCCACTTTGCAATGTGAAAATGTTTACTCACCAACATGTTTTCTTTGATCTTAC[A>T]GTTGTTATTAATTGTGATTGGAGCTATAGCAGTTGTCGCAGTTTTACAACCCTACATCTT-3'

ClinVar aggregate classification (germline): Pathogenic. Review status: criteria provided, multiple submitters, no conflicts (2 of 4 stars). 4 submissions from 4 submitters: Pathogenic (3). 1 of the submissions does not count toward it. Last evaluated 2025-04-10.

Conditions:
CFTR-related disorder (CFTR-RD). Also called: CFTR-related disorders; CFTR-related condition. Identifiers: MedGen C5924204, MONDO:7770004.
Bronchiectasis with or without elevated sweat chloride 1 (BESC1). Also called: Cystic Fibrosis-Like Syndrome. Identifiers: Orphanet 60033, MedGen C2749757, MONDO:0008887, OMIM 211400.
Cystic fibrosis (CF). Also called: MUCOVISCIDOSIS. Identifiers: Orphanet 586, MedGen C0010674, MONDO:0009061, OMIM 219700. Disease mechanism: loss of function.

Submissions (4):

Natera, Inc.
Classification: Pathogenic for CFTR-related disorders. Last evaluated: 2025-04-10. Review status: criteria provided, single submitter. Criteria: Natera Variant Classification Schema (03/2026). Collection method: clinical testing. Allele origin: germline.
Comment: The c.2989-2A>T variant in CFTR is a canonical splice acceptor site variant predicted to affect pre-mRNA splicing, which may result in an abnormal transcript and altered protein product. This variant is expected to result in nonsense mediated decay, truncation, or a dysfunctional protein product. This variant is rare in the general population with a frequency below the threshold expected for the associated phenotype(s). Another variant at this same site results in an alteration predicted to cause a similar molecular effect has been observed in individual(s) with the associated phenotype. Given the available evidence, this variant is classified as Pathogenic.

Labcorp Genetics (formerly Invitae), Labcorp
Classification: Pathogenic for Cystic fibrosis. Last evaluated: 2024-03-15. Review status: criteria provided, single submitter. Criteria: Invitae Variant Classification Sherloc (09022015). Collection method: clinical testing. Allele origin: germline.
Comment: This sequence change affects an acceptor splice site in intron 18 of the CFTR gene. It is expected to disrupt RNA splicing. Variants that disrupt the donor or acceptor splice site typically lead to a loss of protein function (PMID: 16199547), and loss-of-function variants in CFTR are known to be pathogenic (PMID: 1695717, 7691345, 9725922). This variant is not present in population databases (gnomAD no frequency). Disruption of this splice site has been observed in individuals with cystic fibrosis (PMID: 7541510, 9452048). This variant is also known as 3121-2A>T . ClinVar contains an entry for this variant (Variation ID: 35858). Studies have shown that disruption of this splice site alters mRNA splicing and is expected to lead to the loss of protein expression (PMID: 23974870). For these reasons, this variant has been classified as Pathogenic.

Baylor Genetics
Classification: Pathogenic for Bronchiectasis with or without elevated sweat chloride 1. Last evaluated: 2022-10-19. Review status: criteria provided, single submitter. Criteria: ACMG Guidelines, 2015. Collection method: clinical testing. Allele origin: unknown.

Women's Health and Genetics/Laboratory Corporation of America, LabCorp
Classification: Likely pathogenic for Cystic Fibrosis. Last evaluated: 2015-10-02. Review status: no assertion criteria provided. Collection method: clinical testing. Allele origin: germline. Not counted in ClinVar's aggregate classification.

Literature cited by the submitters: PubMed 16199547 (cited by Labcorp Genetics (formerly Invitae), Labcorp); PubMed 1695717 (cited by Labcorp Genetics (formerly Invitae), Labcorp); PubMed 7691345 (cited by Labcorp Genetics (formerly Invitae), Labcorp); PubMed 9725922 (cited by Labcorp Genetics (formerly Invitae), Labcorp); PubMed 7541510 (cited by Labcorp Genetics (formerly Invitae), Labcorp); PubMed 9452048 (cited by Labcorp Genetics (formerly Invitae), Labcorp); PubMed 23974870 (cited by Labcorp Genetics (formerly Invitae), Labcorp).